The following is an entry in ClinVar:

ClinVar aggregate classification (germline): Pathogenic (1 of 4 stars; one submission).

Submission:

Labcorp Genetics (formerly Invitae), Labcorp
Classification: Pathogenic. Last evaluated: 2023-05-20. Review status: criteria provided, single submitter. Criteria: Invitae Variant Classification Sherloc (09022015). Collection method: clinical testing. Allele origin: germline.
Comment: For these reasons, this variant has been classified as Pathogenic. ClinVar contains an entry for this variant (Variation ID: 2007013). This variant has not been reported in the literature in individuals affected with COL2A1-related conditions. This variant is not present in population databases (gnomAD no frequency). This sequence change creates a premature translational stop signal (p.Gln26*) in the COL2A1 gene. It is expected to result in an absent or disrupted protein product. Loss-of-function variants in COL2A1 are known to be pathogenic (PMID: 20179744).

Literature cited by the submitters: PubMed 20179744.

NM_001844.5(COL2A1):c.76C>T (p.Gln26Ter)

Gene: COL2A1 (collagen type II alpha 1 chain; minus strand). Cytogenetic location: 12q13.11.
Variant type: single nucleotide variant.
Coding change: c.76C>T on transcript NM_001844.5 (MANE Select); coding-DNA position 76, C replaced by T.
Protein change: p.Gln26Ter; replaces glutamine 26 with a stop codon.
Molecular consequence: nonsense.
Genome position (GRCh38, 1-based): chr12:48,004,246, G>A on the plus strand (C>T on the coding strand, the complement: COL2A1 is on the minus strand). VCF-style: chr12-48004246-G-A. GRCh37 (hg19) VCF-style: chr12-48398029-G-A.
Other names: c.76C>T, p.Gln26Ter (NM_033150.3); short protein forms Q26*.
Identifiers: ClinVar variation 2007013 (VCV002007013.4), dbSNP rs2540194058, ClinGen allele CA384528173.